The following is an entry in ClinVar:

NM_033641.4(COL4A6):c.4177A>T (p.Thr1393Ser)

Gene: COL4A6 (collagen type IV alpha 6 chain; minus strand). Cytogenetic location: Xq22.3.
Variant type: single nucleotide variant.
Coding change: c.4177A>T on transcript NM_033641.4 (MANE Select); coding-DNA position 4177, A replaced by T.
Protein change: p.Thr1393Ser; replaces threonine 1393 with serine.
Molecular consequence: missense variant.
Genome position (GRCh38, 1-based): chrX:108,162,931, T>A on the plus strand (A>T on the coding strand, the complement: COL4A6 is on the minus strand). VCF-style: chrX-108162931-T-A. GRCh37 (hg19) VCF-style: chrX-107406161-T-A.
Other names: c.4228A>T, p.Thr1410Ser (NM_001287758.2); c.4105A>T, p.Thr1369Ser (NM_001287759.2); c.4006A>T, p.Thr1336Ser (NM_001287760.2); c.4180A>T, p.Thr1394Ser (NM_001847.4); short protein forms T1336S, T1369S, T1393S, T1394S, T1410S.
Identifiers: ClinVar variation 3895905 (VCV003895905.1).

ClinVar aggregate classification (germline): Uncertain significance (1 of 4 stars; one submission).

Submission:

Women's Health and Genetics/Laboratory Corporation of America, LabCorp
Classification: Uncertain significance. Last evaluated: 2025-03-27. Review status: criteria provided, single submitter. Criteria: LabCorp Variant Classification Summary - May 2015. Collection method: clinical testing. Allele origin: germline.
Comment: Variant summary: COL4A6 c.4180A>T (p.Thr1394Ser) results in a conservative amino acid change in the encoded protein sequence. Five of five in-silico tools predict a benign effect of the variant on protein function. The variant was absent in 163038 control chromosomes. The available data on variant occurrences in the general population are insufficient to allow any conclusion about variant significance. To our knowledge, no occurrence of c.4180A>T in individuals affected with Deafness, X-Linked 6 and no experimental evidence demonstrating its impact on protein function have been reported. No submitters have cited clinical-significance assessments for this variant to ClinVar. Based on the evidence outlined above, the variant was classified as uncertain significance.